The following is an entry in ClinVar:

ClinVar aggregate classification (germline): Uncertain significance. Review status: criteria provided, multiple submitters, no conflicts (2 of 4 stars). 3 submissions from 3 submitters: Uncertain significance (2). 1 of the submissions does not count toward it. Last evaluated 2025-02-12.

Conditions:
INPP5E-related disorder. Also called: INPP5E-related condition.
Inborn genetic diseases. Identifiers: MedGen C0950123, MeSH D030342.
Joubert syndrome. Also called: Familial aplasia of the vermis; CEREBELLOPARENCHYMAL DISORDER IV; JOUBERT-BOLTSHAUSER SYNDROME. Identifiers: Orphanet 475, MedGen C5979921, MONDO:0018772.

Allele frequency attached by ClinVar (database versions not stated): gnomAD exomes below 0.00001; gnomAD 0.00003; TOPMed 0.00003; ExAC 0.00004.

Submissions (3):

Ambry Genetics
Classification: Uncertain significance for Inborn genetic diseases. Last evaluated: 2025-02-12. Review status: criteria provided, single submitter. Criteria: Ambry Variant Classification Scheme 2023. Collection method: clinical testing. Allele origin: germline.

Labcorp Genetics (formerly Invitae), Labcorp
Classification: Uncertain significance for Joubert syndrome. Last evaluated: 2024-11-04. Review status: criteria provided, single submitter. Criteria: Invitae Variant Classification Sherloc (09022015). Collection method: clinical testing. Allele origin: germline.
Comment: This sequence change replaces glycine, which is neutral and non-polar, with arginine, which is basic and polar, at codon 108 of the INPP5E protein (p.Gly108Arg). The frequency data for this variant in the population databases is considered unreliable, as metrics indicate poor data quality at this position in the gnomAD database. This variant has not been reported in the literature in individuals affected with INPP5E-related conditions. ClinVar contains an entry for this variant (Variation ID: 963368). Invitae Evidence Modeling of protein sequence and biophysical properties (such as structural, functional, and spatial information, amino acid conservation, physicochemical variation, residue mobility, and thermodynamic stability) has been performed for this missense variant. However, the output from this modeling did not meet the statistical confidence thresholds required to predict the impact of this variant on INPP5E protein function. In summary, the available evidence is currently insufficient to determine the role of this variant in disease. Therefore, it has been classified as a Variant of Uncertain Significance.

PreventionGenetics, part of Exact Sciences
Classification: Uncertain significance for INPP5E-related condition. Last evaluated: 2024-08-30. Review status: no assertion criteria provided. Collection method: clinical testing. Allele origin: germline. Not counted in ClinVar's aggregate classification.
Comment: The INPP5E c.322G>A variant is predicted to result in the amino acid substitution p.Gly108Arg. To our knowledge, this variant has not been reported in the literature. This variant is reported in 0.011% of alleles in individuals of African descent in gnomAD. At this time, the clinical significance of this variant is uncertain due to the absence of conclusive functional and genetic evidence.

NM_019892.6(INPP5E):c.322G>A (p.Gly108Arg)

Gene: INPP5E (inositol polyphosphate-5-phosphatase E; minus strand). Cytogenetic location: 9q34.3.
Variant type: single nucleotide variant.
Coding change: c.322G>A on transcript NM_019892.6 (MANE Select); coding-DNA position 322, G replaced by A.
Protein change: p.Gly108Arg; replaces glycine 108 with arginine.
Molecular consequence: missense variant.
Genome position (GRCh38, 1-based): chr9:136,439,098, C>T on the plus strand (G>A on the coding strand, the complement: INPP5E is on the minus strand). VCF-style: chr9-136439098-C-T. GRCh37 (hg19) VCF-style: chr9-139333550-C-T.
Other names: c.322G>A, p.Gly108Arg (NM_001318502.2); c.322G>A (NM_019892.5); short protein forms G108R.
Identifiers: ClinVar variation 963368 (VCV000963368.10), dbSNP rs757082393, ClinGen allele CA5337179.